The following is an entry in ClinVar:

NM_001374736.1(DST):c.17143C>A (p.Gln5715Lys)

Gene: DST (dystonin; minus strand). Cytogenetic location: 6p12.1.
Variant type: single nucleotide variant.
Coding change: c.17143C>A on transcript NM_001374736.1 (MANE Select); coding-DNA position 17143, C replaced by A.
Protein change: p.Gln5715Lys; replaces glutamine 5715 with lysine.
Molecular consequence: missense variant.
Genome position (GRCh38, 1-based): chr6:56,530,099, G>T on the plus strand (C>A on the coding strand, the complement: DST is on the minus strand). VCF-style: chr6-56530099-G-T. GRCh37 (hg19) VCF-style: chr6-56394897-G-T.
Other names: c.10786C>A, p.Gln3596Lys (NM_001144769.5); c.10372C>A, p.Gln3458Lys (NM_001144770.2); c.17143C>A, p.Gln5715Lys (NM_001374722.1); c.16510C>A, p.Gln5504Lys (NM_001374729.1); c.10252C>A, p.Gln3418Lys (NM_001374730.1, NM_183380.4); c.17170C>A, p.Gln5724Lys (NM_001374734.1); c.9274C>A, p.Gln3092Lys (NM_015548.5); short protein forms Q3092K, Q3418K, Q3596K, Q5724K, Q3458K, Q5504K, Q5715K.
Identifiers: ClinVar variation 966451 (VCV000966451.10), dbSNP rs1562587802, ClinGen allele CA364509410.
Genomic context (GRCh38, chr6:56,530,099, plus strand): 5'-GCCTCTTTTCTATGGTTGTAAGCCACTCGTTCAGTGGTTCTAAGGTTTCATGAAATTGCT[G>T]TGCTACCACCGAGATACCTTCCAACTGACGATTCCTACAAATGTGCCAAAAGGTCATTTA-3'
Protein context (NP_001361665.1, residues 5705-5725): RQLEGISVVA[Gln5715Lys]QFHETLEPLN

ClinVar aggregate classification (germline): Uncertain significance (1 of 4 stars; one submission).

Conditions:
Hereditary sensory and autonomic neuropathy type 6. Also called: Neuropathy, hereditary sensory and autonomic, type VI; HSAN VI. Identifiers: Orphanet 314381, MedGen C3539003, MONDO:0013839, OMIM 614653.
Epidermolysis bullosa simplex 3, localized or generalized intermediate, with BP230 deficiency (EBS3). Also called: Epidermolysis bullosa simplex, autosomal recessive 2; Epidermolysis bullosa simplex due to BP230 deficiency. Identifiers: Orphanet 412181, MedGen C3809470, MONDO:0014180, OMIM 615425.

Allele frequency attached by ClinVar (database versions not stated): TOPMed 0.00001.
gnomAD v4.1: 1 of 1,483,100 alleles (0.000067%); highest among the groups gnomAD compares: Admixed American, 0.002%; no homozygotes.

Submission:

Labcorp Genetics (formerly Invitae), Labcorp
Classification: Uncertain significance for Epidermolysis bullosa simplex 3, localized or generalized intermediate, with BP230 deficiency; Hereditary sensory and autonomic neuropathy type 6. Last evaluated: 2022-08-15. Review status: criteria provided, single submitter. Criteria: Invitae Variant Classification Sherloc (09022015). Collection method: clinical testing. Allele origin: germline.
Comment: In summary, the available evidence is currently insufficient to determine the role of this variant in disease. Therefore, it has been classified as a Variant of Uncertain Significance. Experimental studies and prediction algorithms are not available or were not evaluated, and the functional significance of this variant is currently unknown. This variant has not been reported in the literature in individuals affected with DST-related conditions. This variant is not present in population databases (gnomAD no frequency). This sequence change replaces glutamine, which is neutral and polar, with lysine, which is basic and polar, at codon 3092 of the DST protein (p.Gln3092Lys). The DST gene has multiple clinically relevant transcripts. This variant occurs in alternate transcript NM_015548.4, and corresponds to NM_001723.5:c.*85418C>A in the primary transcript.